The following is an entry in ClinVar:

ClinVar aggregate classification (germline): Conflicting classifications of pathogenicity. Review status: criteria provided, conflicting classifications (1 of 4 stars). 4 submissions from 4 submitters: Uncertain significance (3); Likely benign (1). Last evaluated 2026-05-15.

Conditions:
Cardiovascular phenotype. Identifiers: MedGen CN230736.
Naxos disease (NXD). Also called: KERATOSIS PALMOPLANTARIS WITH ARRHYTHMOGENIC CARDIOMYOPATHY; MAL DE NAXOS; PALMOPLANTAR KERATODERMA WITH ARRHYTHMOGENIC RIGHT VENTRICULAR CARDIOMYOPATHY AND WOOLLY HAIR; WOOLLY HAIR, PALMOPLANTAR KERATODERMA, AND CARDIAC ABNORMALITIES; CARDIOMYOPATHY, ARRHYTHMOGENIC RIGHT VENTRICULAR, WITH SKIN, HAIR, AND NAIL ABNORMALITIES. Identifiers: Orphanet 34217, MedGen C1832600, MONDO:0011017, OMIM 601214.
Arrhythmogenic right ventricular dysplasia 12. Also called: ARRHYTHMOGENIC RIGHT VENTRICULAR DYSPLASIA, FAMILIAL, 12. Identifiers: MedGen C1969081, MONDO:0012684, OMIM 611528.

Allele frequency attached by ClinVar (database versions not stated): gnomAD exomes below 0.00001 and 0.00001; ExAC 0.00001; 1000 Genomes Project 30x 0.00016; 1000 Genomes Project 0.00020; gnomAD 0.00001.
gnomAD v4.1: 4 of 1,608,702 alleles (0.00025%); highest among the groups gnomAD compares: East Asian, 0.0022%; no homozygotes.

Submissions (4):

Women's Health and Genetics/Laboratory Corporation of America, LabCorp
Classification: Uncertain significance. Last evaluated: 2026-05-15. Review status: criteria provided, single submitter. Criteria: LabCorp Variant Classification Summary - May 2015. Collection method: clinical testing. Allele origin: germline.

Labcorp Genetics (formerly Invitae), Labcorp
Classification: Uncertain significance for Arrhythmogenic right ventricular dysplasia 12; Naxos disease. Last evaluated: 2025-06-30. Review status: criteria provided, single submitter. Criteria: Invitae Variant Classification Sherloc (09022015). Collection method: clinical testing. Allele origin: germline.
Comment: This sequence change replaces methionine, which is neutral and non-polar, with isoleucine, which is neutral and non-polar, at codon 76 of the JUP protein (p.Met76Ile). This variant is present in population databases (rs202091411, gnomAD 0.002%). This variant has not been reported in the literature in individuals affected with JUP-related conditions. ClinVar contains an entry for this variant (Variation ID: 1417055). An algorithm developed to predict the effect of missense changes on protein structure and function outputs the following: PolyPhen-2: "Benign". The isoleucine amino acid residue is found in multiple mammalian species, which suggests that this missense change does not adversely affect protein function. In summary, the available evidence is currently insufficient to determine the role of this variant in disease. Therefore, it has been classified as a Variant of Uncertain Significance.

Ambry Genetics
Classification: Likely benign for Cardiovascular phenotype. Last evaluated: 2025-02-07. Review status: criteria provided, single submitter. Criteria: Ambry Variant Classification Scheme 2023. Collection method: clinical testing. Allele origin: germline.

Fulgent Genetics
Classification: Uncertain significance for Naxos disease; Arrhythmogenic right ventricular dysplasia 12. Last evaluated: 2021-08-04. Review status: criteria provided, single submitter. Criteria: ACMG Guidelines, 2015. Collection method: clinical testing. Allele origin: unknown.

NM_002230.4(JUP):c.228G>A (p.Met76Ile)

Gene: JUP (junction plakoglobin; minus strand). Cytogenetic location: 17q21.2.
Variant type: single nucleotide variant.
Coding change: c.228G>A on transcript NM_002230.4 (MANE Select); coding-DNA position 228, G replaced by A.
Protein change: p.Met76Ile; replaces methionine 76 with isoleucine.
Molecular consequence: missense variant.
Genome position (GRCh38, 1-based): chr17:41,769,658, C>T on the plus strand (G>A on the coding strand, the complement: JUP is on the minus strand). VCF-style: chr17-41769658-C-T. GRCh37 (hg19) VCF-style: chr17-39925910-C-T.
Other names: c.228G>A, p.Met76Ile (NM_001352773.2, NM_001352774.2, NM_001352775.2 and 3 more transcripts); c.228G>A (NM_002230.2); short protein forms M76I.
Identifiers: ClinVar variation 1417055 (VCV001417055.12), dbSNP rs202091411, ClinGen allele CA8565544.